The following is an entry in ClinVar:

ClinVar aggregate classification (germline): Conflicting classifications of pathogenicity. Review status: criteria provided, conflicting classifications (1 of 4 stars). 3 submissions from 3 submitters: Uncertain significance (2); Likely benign (1). Last evaluated 2025-04-15.

Conditions:
Inborn genetic diseases. Identifiers: MedGen C0950123, MeSH D030342.
Lethal congenital contracture syndrome 7 (LCCS7). Identifiers: MedGen C4225386, MONDO:0014569, OMIM 616286.
Neuropathy, congenital hypomyelinating, 3. Identifiers: MedGen C4748608, MONDO:0020766, OMIM 618186.

Allele frequency attached by ClinVar (database versions not stated): ExAC 0.00002; gnomAD 0.00003.
gnomAD v4.1: 80 of 1,613,822 alleles (0.005%); highest among the groups gnomAD compares: Non-Finnish European, 0.0059%; no homozygotes.

Submissions (3):

Ambry Genetics
Classification: Uncertain significance for Inborn genetic diseases. Last evaluated: 2025-04-15. Review status: criteria provided, single submitter. Criteria: Ambry Variant Classification Scheme 2023. Collection method: clinical testing. Allele origin: germline.

3billion
Classification: Likely benign for Neuropathy, congenital hypomyelinating, 3; Lethal congenital contracture syndrome 7. Last evaluated: 2024-09-20. Review status: criteria provided, single submitter. Criteria: ACMG Guidelines, 2015. Collection method: clinical testing. Allele origin: germline. Affected: no.
Comment: The homozygous variant was found in patients diagnosed with another variant in a different gene, with no symptoms related to the gene containing the homozygous variant.

Labcorp Genetics (formerly Invitae), Labcorp
Classification: Uncertain significance. Last evaluated: 2022-08-13. Review status: criteria provided, single submitter. Criteria: Invitae Variant Classification Sherloc (09022015). Collection method: clinical testing. Allele origin: germline.
Comment: This sequence change replaces glutamic acid, which is acidic and polar, with lysine, which is basic and polar, at codon 567 of the CNTNAP1 protein (p.Glu567Lys). This variant is present in population databases (rs779992820, gnomAD 0.006%). This variant has not been reported in the literature in individuals affected with CNTNAP1-related conditions. ClinVar contains an entry for this variant (Variation ID: 1347833). Algorithms developed to predict the effect of missense changes on protein structure and function are either unavailable or do not agree on the potential impact of this missense change (SIFT: "Deleterious"; PolyPhen-2: "Benign"; Align-GVGD: "Class C15"). In summary, the available evidence is currently insufficient to determine the role of this variant in disease. Therefore, it has been classified as a Variant of Uncertain Significance.

NM_003632.3(CNTNAP1):c.1699G>A (p.Glu567Lys)

Gene: CNTNAP1 (contactin associated protein 1; plus strand). Cytogenetic location: 17q21.2.
Variant type: single nucleotide variant.
Coding change: c.1699G>A on transcript NM_003632.3 (MANE Select); coding-DNA position 1699, G replaced by A.
Protein change: p.Glu567Lys; replaces glutamic acid 567 with lysine.
Molecular consequence: missense variant.
Genome position (GRCh38, 1-based): chr17:42,689,591, G>A. VCF-style: chr17-42689591-G-A. GRCh37 (hg19) VCF-style: chr17-40841609-G-A.
Other names: c.1699G>A (NM_003632.2); short protein forms E567K.
Identifiers: ClinVar variation 1347833 (VCV001347833.7), dbSNP rs779992820, ClinGen allele CA8581853.